The following is an entry in ClinVar:

ClinVar aggregate classification (germline): Benign/Likely benign. Review status: criteria provided, multiple submitters, no conflicts (2 of 4 stars). 16 submissions from 16 submitters: Benign (8); Likely benign (7). 1 of the submissions does not count toward it. Last evaluated 2026-09-01.

Conditions:
Cardiovascular phenotype. Identifiers: MedGen CN230736.
Familial thoracic aortic aneurysm and aortic dissection (TAAD). Also called: Thoracic aortic aneurysms and dissections. Identifiers: Orphanet 91387, MedGen C4707243, MONDO:0019625.
Aortic aneurysm, familial thoracic 4 (AAT4). Also called: AORTIC ANEURYSM/AORTIC DISSECTION AND PATENT DUCTUS ARTERIOSUS. Identifiers: MedGen C1851504, MONDO:0007568, OMIM 132900.

Allele frequency attached by ClinVar (database versions not stated): 1000 Genomes Project 30x 0.00187; 1000 Genomes Project 0.00240; TOPMed 0.00288; ESP Exome Variant Server 0.00377; gnomAD exomes 0.00587 and 0.00596; gnomAD 0.00615 and 0.00636; ExAC 0.00620.
gnomAD v4.1: 9,510 of 1,605,122 alleles (0.59%); highest among the groups gnomAD compares: Non-Finnish European, 0.59%; 76 homozygotes.

Submissions (16):

CeGaT Center for Human Genetics Tuebingen
Classification: Likely benign. Last evaluated: 2026-09-01. Review status: criteria provided, single submitter. Criteria: CeGaT Center For Human Genetics Tuebingen Variant Classification Criteria Version 2. Collection method: clinical testing. Allele origin: germline. Affected: yes. Observed: 34 variant alleles.
Comment: NDE1: BS2; MYH11: BP4, BS2

Labcorp Genetics (formerly Invitae), Labcorp
Classification: Benign for Aortic aneurysm, familial thoracic 4. Last evaluated: 2026-02-04. Review status: criteria provided, single submitter. Criteria: Invitae Variant Classification Sherloc (09022015). Collection method: clinical testing. Allele origin: germline.

Molecular Diagnostic Laboratory for Inherited Cardiovascular Disease, Montreal Heart Institute
Classification: Likely benign. Last evaluated: 2025-07-24. Review status: criteria provided, single submitter. Criteria: ACMG Guidelines, 2015. Collection method: clinical testing. Allele origin: germline. Affected: no.
Comment: BS1

ARUP Laboratories, Molecular Genetics and Genomics, ARUP Laboratories
Classification: Benign. Last evaluated: 2025-05-15. Review status: criteria provided, single submitter. Criteria: ARUP Molecular Germline Variant Investigation Process 2024. Collection method: clinical testing. Allele origin: germline.

Blueprint Genetics
Classification: Likely benign. Last evaluated: 2024-11-26. Review status: criteria provided, single submitter. Criteria: ACMG Guidelines, 2015. Collection method: clinical testing. Allele origin: germline.

Color Diagnostics, LLC DBA Color Health
Classification: Benign for Familial thoracic aortic aneurysm and aortic dissection. Last evaluated: 2018-03-07. Review status: criteria provided, single submitter. Criteria: ACMG Guidelines, 2015. Collection method: clinical testing. Allele origin: germline.

Illumina Laboratory Services, Illumina
Classification: Likely benign for Aortic aneurysm, familial thoracic 4. Last evaluated: 2018-01-13. Review status: criteria provided, single submitter. Criteria: ICSL Variant Classification Criteria 13 December 2019. Collection method: clinical testing. Allele origin: germline.
Comment: This variant was observed in the ICSL laboratory as part of a predisposition screen in an ostensibly healthy population. It had not been previously curated by ICSL or reported in the Human Gene Mutation Database (HGMD: prior to June 1st, 2018), and was therefore a candidate for classification through an automated scoring system. Utilizing variant allele frequency, disease prevalence and penetrance estimates, and inheritance mode, an automated score was calculated to assess if this variant is too frequent to cause the disease. Based on the score and internal cut-off values, a variant classified as likely benign is not then subjected to further curation. The score for this variant resulted in a classification of likely benign for this disease.

Mayo Clinic Laboratories, Mayo Clinic
Classification: Benign. Last evaluated: 2016-11-25. Review status: criteria provided, single submitter. Criteria: ACMG Guidelines, 2015. Collection method: clinical testing. Allele origin: germline. Observed: 11 variant alleles.

CHEO Genetics Diagnostic Laboratory, Children's Hospital of Eastern Ontario
Classification: Benign for Familial thoracic aortic aneurysm and aortic dissection. Last evaluated: 2016-09-12. Review status: criteria provided, single submitter. Criteria: ACMG Guidelines, 2015. Collection method: clinical testing. Allele origin: germline. Study: Canadian Open Genetics Repository.

Clinical Genetics DNA and cytogenetics Diagnostics Lab, Erasmus MC, Erasmus Medical Center
Classification: Likely benign for Aortic aneurysm, familial thoracic 4. Last evaluated: 2015-12-15. Review status: criteria provided, single submitter. Criteria: ACGS Guidelines, 2013. Collection method: clinical testing. Allele origin: germline. Affected: yes. Study: VKGL Data-share Consensus.

Ambry Genetics
Classification: Benign for Cardiovascular phenotype. Last evaluated: 2015-12-09. Review status: criteria provided, single submitter. Criteria: Ambry Autosomal Dominant and X-Linked criteria (10/2015). Collection method: clinical testing. Allele origin: germline. Observed: 1 variant allele.
Comment: General population or subpopulation frequency is too high to be a pathogenic mutation based on disease/syndrome prevalence and penetrance

Genome Diagnostics Laboratory, University Medical Center Utrecht
Classification: Likely benign for Aortic aneurysm, familial thoracic 4. Last evaluated: 2014-10-09. Review status: criteria provided, single submitter. Criteria: ACGS Guidelines, 2013. Collection method: clinical testing. Allele origin: germline. Affected: yes. Study: VKGL Data-share Consensus.

GeneDx
Classification: Benign. Last evaluated: 2012-11-27. Review status: criteria provided, single submitter. Criteria: GeneDx Variant Classification (06012015). Collection method: clinical testing. Allele origin: germline. Affected: yes.
Comment: This variant is considered likely benign or benign based on one or more of the following criteria: it is a conservative change, it occurs at a poorly conserved position in the protein, it is predicted to be benign by multiple in silico algorithms, and/or has population frequency not consistent with disease.

Breakthrough Genomics
Classification: Likely benign. Review status: criteria provided, single submitter. Criteria: ACMG Guidelines, 2015. Collection method: not provided. Allele origin: germline. Inheritance: Autosomal recessive inheritance. Affected: yes.

PreventionGenetics, part of Exact Sciences
Classification: Benign. Review status: criteria provided, single submitter. Criteria: ACMG Guidelines, 2015. Collection method: clinical testing. Allele origin: germline.

Laboratory of Diagnostic Genome Analysis, Leiden University Medical Center (LUMC)
Classification: Likely benign. Review status: no assertion criteria provided. Collection method: clinical testing. Allele origin: germline. Affected: yes. Study: VKGL Data-share Consensus. Not counted in ClinVar's aggregate classification.

NM_002474.3(MYH11):c.5296-4C>T

Genes: MYH11 (myosin heavy chain 11; minus strand), NDE1 (nudE neurodevelopment protein 1; plus strand). Cytogenetic location: 16p13.11.
Variant type: single nucleotide variant.
Coding change: c.5296-4C>T on transcript NM_002474.3 (MANE Select); 4 bases into the intron before coding-DNA position 5296, C replaced by T.
Molecular consequence: intron variant.
Genome position (GRCh38, 1-based): chr16:15,717,352, G>A on the plus strand (C>T on the coding strand, the complement: MYH11 is on the minus strand). VCF-style: chr16-15717352-G-A. GRCh37 (hg19) VCF-style: chr16-15811209-G-A.
Other names: p.?; c.948-6839G>A (NM_001143979.2, NM_017668.3); c.5296-4C>T (NM_022844.3); c.5317-4C>T (NM_001040114.2, NM_001040113.2).
Identifiers: ClinVar variation 138350 (VCV000138350.67), dbSNP rs183176702, ClinGen allele CA292321.
Genomic context (GRCh38, chr16:15,717,352, plus strand): 5'-CTCATTCTTCTGGGCCGTGCTGCGCTCTGTGGCCAGCTCGTTGCTGAGCTGCTCGGCCTG[G>A]GGAGGAGAGTGAAGGCCATGAGGCGGACTCAGGGAAGCCCAAGAGAGCGCACTGAGACCA-3'